The following is an entry in ClinVar:

ClinVar aggregate classification (germline): Uncertain significance (1 of 4 stars; one submission).

Allele frequency attached by ClinVar (database versions not stated): gnomAD exomes below 0.00001; ExAC 0.00001; gnomAD 0.00002; TOPMed 0.00002.
gnomAD v4.1: 5 of 1,614,044 alleles (0.00031%); highest among the groups gnomAD compares: Non-Finnish European, 0.00042%; no homozygotes.

Submission:

Labcorp Genetics (formerly Invitae), Labcorp
Classification: Uncertain significance. Last evaluated: 2025-12-19. Review status: criteria provided, single submitter. Criteria: Invitae Variant Classification Sherloc (09022015). Collection method: clinical testing. Allele origin: germline.
Comment: This sequence change replaces proline, which is neutral and non-polar, with serine, which is neutral and polar, at codon 231 of the TEAD1 protein (p.Pro231Ser). This variant is present in population databases (rs766021095, gnomAD 0.002%). This variant has not been reported in the literature in individuals affected with TEAD1-related conditions. ClinVar contains an entry for this variant (Variation ID: 1362527). Invitae Evidence Modeling of protein sequence and biophysical properties (such as structural, functional, and spatial information, amino acid conservation, physicochemical variation, residue mobility, and thermodynamic stability) indicates that this missense variant is not expected to disrupt TEAD1 protein function with a negative predictive value of 80%. In summary, the available evidence is currently insufficient to determine the role of this variant in disease. Therefore, it has been classified as a Variant of Uncertain Significance.

NM_021961.6(TEAD1):c.691C>T (p.Pro231Ser)

Gene: TEAD1 (TEA domain transcription factor 1; plus strand). Cytogenetic location: 11p15.3.
Variant type: single nucleotide variant.
Coding change: c.691C>T on transcript NM_021961.6 (MANE Select); coding-DNA position 691, C replaced by T.
Protein change: p.Pro231Ser; replaces proline 231 with serine.
Molecular consequence: missense variant.
Genome position (GRCh38, 1-based): chr11:12,883,117, C>T. VCF-style: chr11-12883117-C-T. GRCh37 (hg19) VCF-style: chr11-12904664-C-T.
Other names: short protein forms P231S.
Identifiers: ClinVar variation 1362527 (VCV001362527.6), dbSNP rs766021095, ClinGen allele CA5891704.